The following is an entry in ClinVar:

NM_213595.4(ISCU):c.40T>A (p.Ser14Thr)

Gene: ISCU (iron-sulfur cluster assembly enzyme; plus strand). Cytogenetic location: 12q23.3.
Variant type: single nucleotide variant.
Coding change: c.40T>A on transcript NM_213595.4 (MANE Select); coding-DNA position 40, T replaced by A.
Protein change: p.Ser14Thr; replaces serine 14 with threonine.
Molecular consequence: missense variant. On other transcripts: 5 prime UTR variant (1), non-coding transcript variant (1).
Genome position (GRCh38, 1-based): chr12:108,562,662, T>A. VCF-style: chr12-108562662-T-A. GRCh37 (hg19) VCF-style: chr12-108956438-T-A.
Other names: c.40T>A, p.Ser14Thr (NM_001301140.1, NM_001301141.1, NM_001320042.1); c.-132T>A (NM_014301.4); short protein forms S14T.
Identifiers: ClinVar variation 2776650 (VCV002776650.3), dbSNP rs2030653891, ClinGen allele CA386428056.

ClinVar aggregate classification (germline): Uncertain significance (1 of 4 stars; one submission).

Allele frequency attached by ClinVar (database versions not stated): TOPMed below 0.00001.

Submission:

Labcorp Genetics (formerly Invitae), Labcorp
Classification: Uncertain significance. Last evaluated: 2024-07-01. Review status: criteria provided, single submitter. Criteria: Invitae Variant Classification Sherloc (09022015). Collection method: clinical testing. Allele origin: germline.
Comment: This sequence change replaces serine, which is neutral and polar, with threonine, which is neutral and polar, at codon 14 of the ISCU protein (p.Ser14Thr). This variant is not present in population databases (gnomAD no frequency). This variant has not been reported in the literature in individuals affected with ISCU-related conditions. An algorithm developed to predict the effect of missense changes on protein structure and function (PolyPhen-2) suggests that this variant is likely to be tolerated. In summary, the available evidence is currently insufficient to determine the role of this variant in disease. Therefore, it has been classified as a Variant of Uncertain Significance.